The following is an entry in ClinVar:

ClinVar aggregate classification (germline): Conflicting classifications of pathogenicity. Review status: criteria provided, conflicting classifications (1 of 4 stars). 8 submissions from 4 submitters: Uncertain significance (5); Benign (2); Likely benign (1). Last evaluated 2025-10-22.

Conditions:
Myopathy, myofibrillar, 9, with early respiratory failure (MFM9). Also called: MYOPATHY, PROXIMAL, WITH EARLY RESPIRATORY MUSCLE INVOLVEMENT; Hereditary myopathy with early respiratory failure; Myopathy, distal, with early respiratory failure, autosomal dominant; EDSTROM MYOPATHY. Identifiers: Orphanet 178464, Orphanet 34521, MedGen C1863599, MONDO:0011362, OMIM 603689.
Dilated cardiomyopathy 1G (CMD1G). Identifiers: Orphanet 154, MedGen C1858763, MONDO:0011400, OMIM 604145.
Autosomal recessive limb-girdle muscular dystrophy type 2J (LGMDR10). Also called: Limb-girdle muscular dystrophy, type 2J; MUSCULAR DYSTROPHY, LIMB-GIRDLE, AUTOSOMAL RECESSIVE 10. Identifiers: Orphanet 140922, MedGen C1837342, MONDO:0012127, OMIM 608807.
Tibial muscular dystrophy (TMD). Also called: UDD MYOPATHY; Tibial muscular dystrophy, tardive; Udd Distal Myopathy – Tibial Muscular Dystrophy. Identifiers: Orphanet 609, MedGen C1838244, MONDO:0010870, OMIM 600334.
TTN-related disorder. Also called: TTN-related disorders; TTN-related condition; TTN-related disease.
Early-onset myopathy with fatal cardiomyopathy (CMYO5). Also called: Salih Myopathy; CONGENITAL MYOPATHY 5 WITH CARDIOMYOPATHY. Identifiers: Orphanet 289377, MedGen C2673677, MONDO:0012714, OMIM 611705. Disease mechanism: loss of function.

Allele frequency attached by ClinVar (database versions not stated): gnomAD below 0.00001 and 0.00001; TOPMed below 0.00001; gnomAD exomes 0.00006 and 0.00011; ExAC 0.00011.
gnomAD v4.1: 86 of 1,611,996 alleles (0.0053%); highest among the groups gnomAD compares: South Asian, 0.087%; no homozygotes.

Submissions (8):

Labcorp Genetics (formerly Invitae), Labcorp
Classification: Likely benign for Dilated cardiomyopathy 1G; Autosomal recessive limb-girdle muscular dystrophy type 2J. Last evaluated: 2025-10-22. Review status: criteria provided, single submitter. Criteria: Invitae Variant Classification Sherloc (09022015). Collection method: clinical testing. Allele origin: germline.

PreventionGenetics, part of Exact Sciences
Classification: Uncertain significance for TTN-related condition. Last evaluated: 2025-08-18. Review status: criteria provided, single submitter. Criteria: ACMG Guidelines, 2015. Collection method: clinical testing. Allele origin: germline.
Comment: The TTN c.46483G>A variant is predicted to result in the amino acid substitution p.Ala15495Thr. To our knowledge, this variant has not been reported in the literature. This variant is reported in 0.085% of alleles in individuals of South Asian descent in gnomAD. At this time, the clinical significance of this variant is uncertain due to the absence of conclusive functional and genetic evidence.

Revvity Omics, Revvity
Classification: Uncertain significance. Last evaluated: 2020-10-05. Review status: criteria provided, single submitter. Criteria: ACMG Guidelines, 2015. Collection method: clinical testing. Allele origin: germline.

Illumina Laboratory Services, Illumina
Classification: Uncertain significance for Autosomal recessive limb-girdle muscular dystrophy type 2J. Last evaluated: 2018-01-13. Review status: criteria provided, single submitter. Criteria: ICSL Variant Classification Criteria 13 December 2019. Collection method: clinical testing. Allele origin: germline.

Illumina Laboratory Services, Illumina
Classification: Benign for Myopathy, myofibrillar, 9, with early respiratory failure. Last evaluated: 2018-01-13. Review status: criteria provided, single submitter. Criteria: ICSL Variant Classification Criteria 13 December 2019. Collection method: clinical testing. Allele origin: germline.
Comment: This variant was observed in the ICSL laboratory as part of a predisposition screen in an ostensibly healthy population. It had not been previously curated by ICSL or reported in the Human Gene Mutation Database (HGMD: prior to June 1st, 2018), and was therefore a candidate for classification through an automated scoring system. Utilizing variant allele frequency, disease prevalence and penetrance estimates, and inheritance mode, an automated score was calculated to assess if this variant is too frequent to cause the disease. Based on the score and internal cut-off values, a variant classified as benign is not then subjected to further curation. The score for this variant resulted in a classification of benign for this disease.

Illumina Laboratory Services, Illumina
Classification: Benign for Tibial muscular dystrophy. Last evaluated: 2018-01-13. Review status: criteria provided, single submitter. Criteria: ICSL Variant Classification Criteria 13 December 2019. Collection method: clinical testing. Allele origin: germline.
Comment: the same text as in the submission from Illumina Laboratory Services, Illumina above.

Illumina Laboratory Services, Illumina
Classification: Uncertain significance for Dilated cardiomyopathy 1G. Last evaluated: 2018-01-13. Review status: criteria provided, single submitter. Criteria: ICSL Variant Classification Criteria 13 December 2019. Collection method: clinical testing. Allele origin: germline.

Illumina Laboratory Services, Illumina
Classification: Uncertain significance for Early-onset myopathy with fatal cardiomyopathy. Last evaluated: 2018-01-13. Review status: criteria provided, single submitter. Criteria: ICSL Variant Classification Criteria 13 December 2019. Collection method: clinical testing. Allele origin: germline.

NM_001267550.2(TTN):c.46483G>A (p.Ala15495Thr)

Genes: TTN (titin; minus strand), TTN-AS1 (TTN antisense RNA 1; plus strand). Cytogenetic location: 2q31.2.
Variant type: single nucleotide variant.
Coding change: c.46483G>A on transcript NM_001267550.2 (MANE Select); coding-DNA position 46483, G replaced by A.
Protein change: p.Ala15495Thr; replaces alanine 15495 with threonine.
Molecular consequence: missense variant. On other transcripts: non-coding transcript variant (1).
Genome position (GRCh38, 1-based): chr2:178,619,834, C>T on the plus strand (G>A on the coding strand, the complement: TTN is on the minus strand). VCF-style: chr2-178619834-C-T. GRCh37 (hg19) VCF-style: chr2-179484561-C-T.
Other names: c.41560G>A, p.Ala13854Thr (NM_001256850.1); c.19288G>A, p.Ala6430Thr (NM_003319.4); c.38779G>A, p.Ala12927Thr (NM_133378.4); c.19663G>A, p.Ala6555Thr (NM_133432.3); c.19864G>A, p.Ala6622Thr (NM_133437.4); short protein forms A12927T, A15495T, A6555T, A6622T, A13854T, A6430T.
Identifiers: ClinVar variation 332859 (VCV000332859.18), dbSNP rs537428006, ClinGen allele CA1995229.